The following is an entry in ClinVar:

ClinVar aggregate classification (germline): Pathogenic/Likely pathogenic. Review status: criteria provided, multiple submitters, no conflicts (2 of 4 stars). 6 submissions from 6 submitters: Pathogenic (3); Likely pathogenic (3). Last evaluated 2025-12-05.

Conditions:
ATP2A1-related disorder. Also called: ATP2A1-related condition.
Brody myopathy. Also called: BRODY DISEASE. Identifiers: Orphanet 53347, MedGen C1832918, MONDO:0010977, OMIM 601003.

Allele frequency attached by ClinVar (database versions not stated): gnomAD 0.00001; gnomAD exomes 0.00001; TOPMed 0.00002.
gnomAD v4.1: 15 of 1,613,790 alleles (0.00093%); highest among the groups gnomAD compares: Non-Finnish European, 0.0013%; no homozygotes.

Submissions (6):

Women's Health and Genetics/Laboratory Corporation of America, LabCorp
Classification: Pathogenic for Brody myopathy. Last evaluated: 2025-12-05. Review status: criteria provided, single submitter. Criteria: LabCorp Variant Classification Summary - May 2015. Collection method: clinical testing. Allele origin: germline.
Comment: Variant summary: ATP2A1 c.2758C>T (p.Gln920X) results in a premature termination codon, predicted to cause a truncation of the encoded protein or absence of the protein due to nonsense mediated decay, which are commonly known mechanisms for disease. The variant allele was found at a frequency of 1.2e-05 in 251294 control chromosomes. To our knowledge, no occurrence of c.2758C>T in individuals affected with ATP2A1-related conditions and no experimental evidence demonstrating its impact on protein function have been reported. ClinVar contains an entry for this variant (Variation ID: 423942). Based on the evidence outlined above, the variant was classified as pathogenic.

PreventionGenetics, part of Exact Sciences
Classification: Likely pathogenic for ATP2A1-related condition. Last evaluated: 2024-12-15. Review status: criteria provided, single submitter. Criteria: ACMG Guidelines, 2015. Collection method: clinical testing. Allele origin: germline.
Comment: The ATP2A1 c.2758C>T variant is predicted to result in premature protein termination (p.Gln920*). To our knowledge, this variant has not been reported in the literature. This variant is reported in 0.0026% of alleles in individuals of European (Non-Finnish) descent in gnomAD. Nonsense variants in ATP2A1 are expected to be pathogenic. This variant is interpreted as likely pathogenic.

Labcorp Genetics (formerly Invitae), Labcorp
Classification: Pathogenic for Brody myopathy. Last evaluated: 2024-07-15. Review status: criteria provided, single submitter. Criteria: Invitae Variant Classification Sherloc (09022015). Collection method: clinical testing. Allele origin: germline.
Comment: This sequence change creates a premature translational stop signal (p.Gln920*) in the ATP2A1 gene. It is expected to result in an absent or disrupted protein product. Loss-of-function variants in ATP2A1 are known to be pathogenic (PMID: 8841193, 10914677, 23911890). This variant is present in population databases (no rsID available, gnomAD 0.003%). This variant has not been reported in the literature in individuals affected with ATP2A1-related conditions. ClinVar contains an entry for this variant (Variation ID: 423942). For these reasons, this variant has been classified as Pathogenic.

GeneDx
Classification: Likely pathogenic. Last evaluated: 2020-01-08. Review status: criteria provided, single submitter. Criteria: GeneDx Variant Classification Process June 2021. Collection method: clinical testing. Allele origin: germline. Affected: yes.
Comment: Has not been previously published as pathogenic or benign to our knowledge; Not observed at a significant frequency in large population cohorts (Lek et al., 2016); Nonsense variant predicted to result in protein truncation or nonsense mediated decay in a gene for which loss-of-function is a known mechanism of disease

Revvity Omics, Revvity
Classification: Pathogenic for Brody myopathy. Last evaluated: 2019-05-09. Review status: criteria provided, single submitter. Criteria: ACMG Guidelines, 2015. Collection method: clinical testing. Allele origin: germline.

Athena Diagnostics
Classification: Likely pathogenic. Last evaluated: 2018-04-13. Review status: criteria provided, single submitter. Criteria: Athena Diagnostics Criteria. Collection method: clinical testing. Allele origin: germline.

Literature cited by the submitters: PubMed 8841193 (cited by Labcorp Genetics (formerly Invitae), Labcorp); PubMed 10914677 (cited by Labcorp Genetics (formerly Invitae), Labcorp); PubMed 23911890 (cited by Labcorp Genetics (formerly Invitae), Labcorp).

NM_004320.6(ATP2A1):c.2758C>T (p.Gln920Ter)

Gene: ATP2A1 (ATPase sarcoplasmic/endoplasmic reticulum Ca2+ transporting 1; plus strand). Cytogenetic location: 16p11.2.
Variant type: single nucleotide variant.
Coding change: c.2758C>T on transcript NM_004320.6 (MANE Select); coding-DNA position 2758, C replaced by T.
Protein change: p.Gln920Ter; replaces glutamine 920 with a stop codon.
Molecular consequence: nonsense.
Genome position (GRCh38, 1-based): chr16:28,903,043, C>T. VCF-style: chr16-28903043-C-T. GRCh37 (hg19) VCF-style: chr16-28914364-C-T.
Other names: c.2383C>T, p.Gln795Ter (NM_001286075.2); c.2758C>T, p.Gln920Ter (NM_173201.5); short protein forms Q920*, Q795*.
Identifiers: ClinVar variation 423942 (VCV000423942.15), dbSNP rs897301304, ClinGen allele CA16620184.